The following is an entry in ClinVar:

ClinVar aggregate classification (germline): Uncertain significance (1 of 4 stars; one submission).

gnomAD v4.1: 8 of 1,611,628 alleles (0.0005%); highest among the groups gnomAD compares: Non-Finnish European, 0.00059%; no homozygotes.

Submission:

Labcorp Genetics (formerly Invitae), Labcorp
Classification: Uncertain significance. Last evaluated: 2022-03-10. Review status: criteria provided, single submitter. Criteria: Invitae Variant Classification Sherloc (09022015). Collection method: clinical testing. Allele origin: germline.
Comment: In summary, the available evidence is currently insufficient to determine the role of this variant in disease. Therefore, it has been classified as a Variant of Uncertain Significance. Algorithms developed to predict the effect of missense changes on protein structure and function are either unavailable or do not agree on the potential impact of this missense change (SIFT: "Deleterious"; PolyPhen-2: "Probably Damaging"; Align-GVGD: "Class C0"). This variant has not been reported in the literature in individuals affected with SBF1-related conditions. This variant is not present in population databases (gnomAD no frequency). This sequence change replaces aspartic acid, which is acidic and polar, with tyrosine, which is neutral and polar, at codon 1666 of the SBF1 protein (p.Asp1666Tyr).

NM_002972.4(SBF1):c.4996G>T (p.Asp1666Tyr)

Gene: SBF1 (SET binding factor 1; minus strand). Cytogenetic location: 22q13.33.
Variant type: single nucleotide variant.
Coding change: c.4996G>T on transcript NM_002972.4 (MANE Select); coding-DNA position 4996, G replaced by T.
Protein change: p.Asp1666Tyr; replaces aspartic acid 1666 with tyrosine.
Molecular consequence: missense variant.
Genome position (GRCh38, 1-based): chr22:50,454,559, C>A on the plus strand (G>T on the coding strand, the complement: SBF1 is on the minus strand). VCF-style: chr22-50454559-C-A. GRCh37 (hg19) VCF-style: chr22-50892988-C-A.
Other names: c.4921G>T, p.Asp1641Tyr (NM_001365819.1); c.4999G>T, p.Asp1667Tyr (NM_001410794.1); c.4918G>T, p.Asp1640Tyr (NM_001410795.1); c.4996G>T, p.Asp1666Tyr (NM_197971.1); short protein forms D1666Y, D1640Y, D1641Y, D1667Y.
Identifiers: ClinVar variation 1938556 (VCV001938556.5), dbSNP rs759925776, ClinGen allele CA412191212.